The following is an entry in ClinVar:

ClinVar aggregate classification (germline): Uncertain significance (1 of 4 stars; one submission).

gnomAD v4.1: 1 of 1,594,192 alleles (0.000063%); highest among the groups gnomAD compares: South Asian, 0.0012%; no homozygotes.

Submission:

GeneDx
Classification: Uncertain significance. Last evaluated: 2025-03-25. Review status: criteria provided, single submitter. Criteria: GeneDx Variant Classification Process June 2021. Collection method: clinical testing. Allele origin: germline. Affected: yes.
Comment: Not observed at significant frequency in large population cohorts (gnomAD); In silico analysis supports that this missense variant has a deleterious effect on protein structure/function; Has not been previously published as pathogenic or benign to our knowledge; Variants in candidate genes are classified as variants of uncertain significance in accordance with ACMG guidelines (PMID: 25741868)

NM_003400.4(XPO1):c.109C>T (p.His37Tyr)

Gene: XPO1 (exportin 1; minus strand). Cytogenetic location: 2p15.
Variant type: single nucleotide variant.
Coding change: c.109C>T on transcript NM_003400.4 (MANE Select); coding-DNA position 109, C replaced by T.
Protein change: p.His37Tyr; replaces histidine 37 with tyrosine.
Molecular consequence: missense variant.
Genome position (GRCh38, 1-based): chr2:61,533,789, G>A on the plus strand (C>T on the coding strand, the complement: XPO1 is on the minus strand). VCF-style: chr2-61533789-G-A. GRCh37 (hg19) VCF-style: chr2-61760924-G-A.
Other names: c.109C>T, p.His37Tyr (NM_001410799.1); short protein forms H37Y.
Identifiers: ClinVar variation 4087948 (VCV004087948.1).